The following is an entry in ClinVar:

ClinVar aggregate classification (germline): Pathogenic (1 of 4 stars; one submission).

Conditions:
Glycine encephalopathy. Also called: Nonketotic hyperglycinemia; Non-ketotic hyperglycinemia. Identifiers: Orphanet 407, MedGen C0751748, MONDO:0011612, HP:0008288.

Submission:

Labcorp Genetics (formerly Invitae), Labcorp
Classification: Pathogenic for Glycine encephalopathy. Last evaluated: 2022-09-19. Review status: criteria provided, single submitter. Criteria: Invitae Variant Classification Sherloc (09022015). Collection method: clinical testing. Allele origin: germline.
Comment: For these reasons, this variant has been classified as Pathogenic. This variant has not been reported in the literature in individuals affected with GCSH-related conditions. This variant is a gross deletion of the genomic region encompassing exon(s) 1-3 of the GCSH gene, which includes the initiator codon. This deletion extends beyond the assayed region for this gene and therefore may encompass additional genes. It is expected to result in an absent or disrupted protein product. Loss-of-function variants in GCSH are known to be pathogenic (PMID: 33890291).

Literature cited by the submitters: PubMed 33890291.

NC_000016.9:g.(?_81121196)_(81129883_?)del

Gene: GCSH (glycine cleavage system protein H; minus strand). Cytogenetic location: 16q23.2.
Variant type: Deletion.
Identifiers: ClinVar variation 1023159 (VCV001023159.9).